The following is an entry in ClinVar:

ClinVar aggregate classification (germline): Conflicting classifications of pathogenicity. Review status: criteria provided, conflicting classifications (1 of 4 stars). 4 submissions from 4 submitters: Uncertain significance (2); Likely benign (1). 1 of the submissions does not count toward it. Last evaluated 2025-07-27.

Conditions:
Cardiovascular phenotype. Identifiers: MedGen CN230736.
Duchenne muscular dystrophy (DMD). Also called: Duchenne Muscular Dystrophy (DMD); MUSCULAR DYSTROPHY, PSEUDOHYPERTROPHIC PROGRESSIVE, DUCHENNE TYPE. Identifiers: Orphanet 98896, MedGen C0013264, MONDO:0010679, OMIM 310200.
Becker muscular dystrophy (BMD). Also called: Becker Muscular Dystrophy (BMD); MUSCULAR DYSTROPHY, PSEUDOHYPERTROPHIC PROGRESSIVE, BECKER TYPE. Identifiers: Orphanet 98895, MedGen C0917713, MONDO:0010311, OMIM 300376.
Dystrophin deficiency.
Cardiomyopathy (CMYO). Also called: Cardiomyopathies. Identifiers: Orphanet 167848, MedGen C0878544, MONDO:0004994, HP:0001638. Inheritance: Various modes of inheritance.

Allele frequency attached by ClinVar (database versions not stated): TOPMed below 0.00001; ExAC 0.00001; gnomAD exomes 0.00001.

Submissions (4):

Labcorp Genetics (formerly Invitae), Labcorp
Classification: Uncertain significance for Duchenne muscular dystrophy. Last evaluated: 2025-07-27. Review status: criteria provided, single submitter. Criteria: Invitae Variant Classification Sherloc (09022015). Collection method: clinical testing. Allele origin: germline.
Comment: This sequence change replaces glutamine, which is neutral and polar, with glutamic acid, which is acidic and polar, at codon 886 of the DMD protein (p.Gln886Glu). This variant is present in population databases (rs754893725, gnomAD 0.02%). This variant has not been reported in the literature in individuals affected with DMD-related conditions. ClinVar contains an entry for this variant (Variation ID: 844800). Invitae Evidence Modeling of protein sequence and biophysical properties (such as structural, functional, and spatial information, amino acid conservation, physicochemical variation, residue mobility, and thermodynamic stability) indicates that this missense variant is not expected to disrupt DMD protein function with a negative predictive value of 95%. In summary, the available evidence is currently insufficient to determine the role of this variant in disease. Therefore, it has been classified as a Variant of Uncertain Significance.

Ambry Genetics
Classification: Uncertain significance for Cardiovascular phenotype. Last evaluated: 2020-12-15. Review status: criteria provided, single submitter. Criteria: Ambry Variant Classification Scheme 2023. Collection method: clinical testing. Allele origin: germline.
Comment: The p.Q886E variant (also known as c.2656C>G), located in coding exon 21 of the DMD gene, results from a C to G substitution at nucleotide position 2656. The glutamine at codon 886 is replaced by glutamic acid, an amino acid with highly similar properties. Based on data from gnomAD, the G allele has an overall frequency of 0.001% (2/183368) total alleles studied, with 0 hemizygotes observed. The highest observed frequency was 0.014% (2/13858) of East Asian alleles. This amino acid position is well conserved in available vertebrate species; however, glutamine is the reference amino acid in other vertebrate species. In addition, this alteration is predicted to be tolerated by in silico analysis. Since supporting evidence is limited at this time, the clinical significance of this alteration remains unclear.

Blueprint Genetics
Classification: Likely benign. Last evaluated: 2017-06-28. Review status: criteria provided, single submitter. Criteria: ACMG Guidelines, 2015. Collection method: clinical testing. Allele origin: germline.

Natera, Inc.
Classification: Uncertain significance for Becker muscular dystrophy; Cardiomyopathy; Duchenne muscular dystrophy; Dystrophin deficiency. Last evaluated: 2020-05-15. Review status: no assertion criteria provided. Collection method: clinical testing. Allele origin: germline. Not counted in ClinVar's aggregate classification.

NM_004006.3(DMD):c.2656C>G (p.Gln886Glu)

Gene: DMD (dystrophin; minus strand). Cytogenetic location: Xp21.1.
Variant type: single nucleotide variant.
Coding change: c.2656C>G on transcript NM_004006.3 (MANE Select); coding-DNA position 2656, C replaced by G.
Protein change: p.Gln886Glu; replaces glutamine 886 with glutamic acid.
Molecular consequence: missense variant.
Genome position (GRCh38, 1-based): chrX:32,485,066, G>C on the plus strand (C>G on the coding strand, the complement: DMD is on the minus strand). VCF-style: chrX-32485066-G-C. GRCh37 (hg19) VCF-style: chrX-32503183-G-C.
Other names: c.2632C>G, p.Gln878Glu (NM_000109.4); c.2644C>G, p.Gln882Glu (NM_004009.3); c.2287C>G, p.Gln763Glu (NM_004010.3); short protein forms Q878E, Q882E, Q886E, Q763E.
Identifiers: ClinVar variation 844800 (VCV000844800.11), dbSNP rs754893725, ClinGen allele CA10379461.